The following is an entry in ClinVar:

ClinVar aggregate classification (germline): Likely benign (1 of 4 stars; one submission).

gnomAD v4.1: 1 of 1,612,884 alleles (0.000062%); highest among the groups gnomAD compares: Admixed American, 0.0017%; no homozygotes.

Submission:

CeGaT Center for Human Genetics Tuebingen
Classification: Likely benign. Last evaluated: 2026-04-01. Review status: criteria provided, single submitter. Criteria: CeGaT Center For Human Genetics Tuebingen Variant Classification Criteria Version 2. Collection method: clinical testing. Allele origin: germline. Affected: yes. Observed: 1 variant allele.
Comment: SCAPER: BP4, BP7

NM_020843.4(SCAPER):c.1128T>C (p.Asp376=)

Gene: SCAPER (S-phase cyclin A associated protein in the ER; minus strand). Cytogenetic location: 15q24.3.
Variant type: single nucleotide variant.
Coding change: c.1128T>C on transcript NM_020843.4 (MANE Select); coding-DNA position 1128, T replaced by C.
Protein change: p.Asp376=; no amino-acid change (aspartic acid 376 retained).
Molecular consequence: synonymous variant. On other transcripts: non-coding transcript variant (1).
Genome position (GRCh38, 1-based): chr15:76,771,862, A>G on the plus strand (T>C on the coding strand, the complement: SCAPER is on the minus strand). VCF-style: chr15-76771862-A-G. GRCh37 (hg19) VCF-style: chr15-77064203-A-G.
Other names: c.390T>C, p.Asp130= (NM_001145923.2); c.1128T>C, p.Asp376= (NM_001353009.2); c.726T>C, p.Asp242= (NM_001353010.2, NM_001353011.2, NM_001353012.2).
Identifiers: ClinVar variation 4874725 (VCV004874725.2).